The following is an entry in ClinVar:

NM_000327.4(ROM1):c.790_807del (p.Leu264_Gly269del)

Gene: ROM1 (retinal outer segment membrane protein 1; plus strand). Cytogenetic location: 11q12.3.
Variant type: Deletion.
Coding change: c.790_807del on transcript NM_000327.4 (MANE Select); coding-DNA positions 790 to 807, 18 bases deleted (TTGGCAGGCACACTGGGT).
Protein change: p.Leu264_Gly269del.
Molecular consequence: inframe deletion.
Genome position (GRCh38, 1-based): chr11:62,614,457-62,614,474, TTGGCAGGCACACTGGGT deleted. VCF-style (leftmost placement, unchanged base first): chr11-62614456-CTTGGCAGGCACACTGGGT-C. GRCh37 (hg19) VCF-style: chr11-62381928-CTTGGCAGGCACACTGGGT-C.
Identifiers: ClinVar variation 2121880 (VCV002121880.4), dbSNP rs1942979267, ClinGen allele CA938671868.
Genomic context (GRCh38, chr11:62,614,456, plus strand): 5'-ACCCAACCAAAACCTCTGGGCCCAAGGGTGCCATGAGGTGCTGCTGGAGCACTTGCAGGA[CTTGGCAGGCACACTGGGT>C]AGCATGCTGGCTGTCACCTTCCTACTGCAGGTGAGTCAGCAAAGCATCTGACACCTCCTC-3'

ClinVar aggregate classification (germline): Uncertain significance (1 of 4 stars; one submission).

Allele frequency attached by ClinVar (database versions not stated): gnomAD exomes below 0.00001; gnomAD 0.00001.

Submission:

Labcorp Genetics (formerly Invitae), Labcorp
Classification: Uncertain significance. Last evaluated: 2022-07-06. Review status: criteria provided, single submitter. Criteria: Invitae Variant Classification Sherloc (09022015). Collection method: clinical testing. Allele origin: germline.
Comment: In summary, the available evidence is currently insufficient to determine the role of this variant in disease. Therefore, it has been classified as a Variant of Uncertain Significance. Experimental studies and prediction algorithms are not available or were not evaluated, and the functional significance of this variant is currently unknown. This variant has not been reported in the literature in individuals affected with ROM1-related conditions. This variant is not present in population databases (gnomAD no frequency). This variant, c.790_807del, results in the deletion of 6 amino acid(s) of the ROM1 protein (p.Leu264_Gly269del), but otherwise preserves the integrity of the reading frame.